The following is an entry in ClinVar:

NM_000135.4(FANCA):c.3608G>T (p.Gly1203Val)

Gene: FANCA (FA complementation group A; minus strand). Cytogenetic location: 16q24.3.
Variant type: single nucleotide variant.
Coding change: c.3608G>T on transcript NM_000135.4 (MANE Select); coding-DNA position 3608, G replaced by T.
Protein change: p.Gly1203Val; replaces glycine 1203 with valine.
Molecular consequence: missense variant.
Genome position (GRCh38, 1-based): chr16:89,744,977, C>A on the plus strand (G>T on the coding strand, the complement: FANCA is on the minus strand). VCF-style: chr16-89744977-C-A. GRCh37 (hg19) VCF-style: chr16-89811385-C-A.
Other names: c.3608G>T, p.Gly1203Val (NM_001286167.3); short protein forms G1203V.
Identifiers: ClinVar variation 4870869 (VCV004870869.1).

ClinVar aggregate classification (germline): Uncertain significance (1 of 4 stars; one submission).

Conditions:
Inborn genetic diseases. Identifiers: MedGen C0950123, MeSH D030342.

Submission:

Ambry Genetics
Classification: Uncertain significance for Inborn genetic diseases. Last evaluated: 2026-05-14. Review status: criteria provided, single submitter. Criteria: Ambry Variant Classification Scheme 2023. Collection method: clinical testing. Allele origin: germline.
Comment: The p.G1203V variant (also known as c.3608G>T), located in coding exon 36 of the FANCA gene, results from a G to T substitution at nucleotide position 3608. The glycine at codon 1203 is replaced by valine, an amino acid with dissimilar properties. This amino acid position is conserved. In addition, this alteration is predicted to be tolerated by in silico analysis. Based on the available evidence, the clinical significance of this variant remains unclear.